The following is an entry in ClinVar:

NM_018089.3(ANKZF1):c.272A>G (p.Tyr91Cys)

Gene: ANKZF1 (ankyrin repeat and zinc finger peptidyl tRNA hydrolase 1; plus strand). Cytogenetic location: 2q35.
Variant type: single nucleotide variant.
Coding change: c.272A>G on transcript NM_018089.3 (MANE Select); coding-DNA position 272, A replaced by G.
Protein change: p.Tyr91Cys; replaces tyrosine 91 with cysteine.
Molecular consequence: missense variant. On other transcripts: intron variant (1).
Genome position (GRCh38, 1-based): chr2:219,232,270, A>G. VCF-style: chr2-219232270-A-G. GRCh37 (hg19) VCF-style: chr2-220096992-A-G.
Other names: c.272A>G, p.Tyr91Cys (NM_001042410.2); c.-266-220A>G (NM_001282792.2); short protein forms Y91C.
Identifiers: ClinVar variation 2174945 (VCV002174945.4), dbSNP rs1380582732, ClinGen allele CA350672689.

ClinVar aggregate classification (germline): Uncertain significance (1 of 4 stars; one submission).

Allele frequency attached by ClinVar (database versions not stated): TOPMed 0.00002; gnomAD 0.00003; gnomAD exomes 0.00006.
gnomAD v4.1: 86 of 1,614,066 alleles (0.0053%); highest among the groups gnomAD compares: Non-Finnish European, 0.0071%; no homozygotes.

Submission:

Labcorp Genetics (formerly Invitae), Labcorp
Classification: Uncertain significance. Last evaluated: 2026-01-28. Review status: criteria provided, single submitter. Criteria: Invitae Variant Classification Sherloc (09022015). Collection method: clinical testing. Allele origin: germline.
Comment: This sequence change replaces tyrosine, which is neutral and polar, with cysteine, which is neutral and slightly polar, at codon 91 of the ANKZF1 protein (p.Tyr91Cys). This variant is present in population databases (no rsID available, gnomAD 0.003%). This variant has not been reported in the literature in individuals affected with ANKZF1-related conditions. ClinVar contains an entry for this variant (Variation ID: 2174945). An algorithm developed to predict the effect of missense changes on protein structure and function (PolyPhen-2) suggests that this variant is likely to be disruptive. In summary, the available evidence is currently insufficient to determine the role of this variant in disease. Therefore, it has been classified as a Variant of Uncertain Significance.